The following is an entry in ClinVar:

ClinVar aggregate classification (germline): Pathogenic. Review status: criteria provided, single submitter (1 of 4 stars). 2 submissions from 2 submitters: Pathogenic (1). 1 of the submissions does not count toward it. Last evaluated 2022-01-15.

Conditions:
Mucopolysaccharidosis type 1. Also called: IDUA deficiency; MPS I; Mucopolysaccharidosis Type I. Identifiers: Orphanet 579, MedGen C0023786, MONDO:0001586.

Submissions (2):

Labcorp Genetics (formerly Invitae), Labcorp
Classification: Pathogenic for Mucopolysaccharidosis type 1. Last evaluated: 2022-01-15. Review status: criteria provided, single submitter. Criteria: Invitae Variant Classification Sherloc (09022015). Collection method: clinical testing. Allele origin: germline.
Comment: This variant has been observed in individual(s) with clinical features of mucopolysaccharidosis type I (PMID: 7550242, 21394825, 29976218; Invitae). In at least one individual the data is consistent with being in trans (on the opposite chromosome) from a pathogenic variant. This variant is not present in population databases (gnomAD no frequency). This variant, c.1333_1335del, results in the deletion of 1 amino acid(s) of the IDUA protein (p.Asp445del), but otherwise preserves the integrity of the reading frame. For these reasons, this variant has been classified as Pathogenic. Experimental studies and prediction algorithms are not available or were not evaluated, and the functional significance of this variant is currently unknown. ClinVar contains an entry for this variant (Variation ID: 840115).

Natera, Inc.
Classification: Likely pathogenic for Mucopolysaccharidosis type I. Last evaluated: 2020-12-28. Review status: no assertion criteria provided. Collection method: clinical testing. Allele origin: germline. Not counted in ClinVar's aggregate classification.

Literature cited by the submitters: PubMed 7550242 (cited by Labcorp Genetics (formerly Invitae), Labcorp); PubMed 21394825 (cited by Labcorp Genetics (formerly Invitae), Labcorp); PubMed 29976218 (cited by Labcorp Genetics (formerly Invitae), Labcorp).

NM_000203.5(IDUA):c.1330GAC[1] (p.Asp445del)

Gene: IDUA (alpha-L-iduronidase; plus strand). Cytogenetic location: 4p16.3.
Variant type: Microsatellite.
Coding change: c.1330GAC[1] on transcript NM_000203.5 (MANE Select); one copy of the 3-base unit GAC starting at c.1330; the reference has two copies in a row; one copy, 3 bases deleted; also written c.1333_1335del.
Protein change: p.Asp445del; deletes aspartic acid 445.
Molecular consequence: inframe deletion. On other transcripts: non-coding transcript variant (1).
Genome position (GRCh38, 1-based): chr4:1,002,875-1,002,877, GAC deleted; deleting any 3 consecutive bases within chr4:1,002,871-1,002,877 gives the same sequence; the position shown is the placement nearest the transcript's 3' end. VCF-style (leftmost placement, unchanged base first): chr4-1002870-GCGA-G. GRCh37 (hg19) VCF-style: chr4-996658-GCGA-G.
Other names: c.1333_1335del (NM_000203.5); c.934GAC[1], p.Asp313del (NM_001363576.1); short protein forms D445del, D313del.
Identifiers: ClinVar variation 840115 (VCV000840115.14), dbSNP rs1715188461, ClinGen allele CA916082626.